The following is an entry in ClinVar:

NM_025132.4(WDR19):c.2T>C (p.Met1Thr)

Gene: WDR19 (WD repeat domain 19; plus strand). Cytogenetic location: 4p14.
Variant type: single nucleotide variant.
Coding change: c.2T>C on transcript NM_025132.4 (MANE Select); coding-DNA position 2, T replaced by C.
Protein change: p.Met1Thr; changes the start codon (methionine 1).
Molecular consequence: missense variant, initiator codon variant. On other transcripts: 5 prime UTR variant (1).
Genome position (GRCh38, 1-based): chr4:39,182,559, T>C. VCF-style: chr4-39182559-T-C. GRCh37 (hg19) VCF-style: chr4-39184179-T-C.
Other names: c.-363T>C (NM_001317924.2); short protein forms M1T.
Identifiers: ClinVar variation 1486432 (VCV001486432.7), dbSNP rs1021076498, ClinGen allele CA95674038.

ClinVar aggregate classification (germline): Uncertain significance (1 of 4 stars; one submission).

Conditions:
Asphyxiating thoracic dystrophy 5 (SRTD5). Also called: SHORT-RIB THORACIC DYSPLASIA 5 WITH OR WITHOUT POLYDACTYLY; SHORT-RIB THORACIC DYSPLASIA 5 WITHOUT POLYDACTYLY. Identifiers: Orphanet 474, MedGen C3280598, MONDO:0013717, OMIM 614376.
Senior-Loken syndrome 8 (SLSN8). Identifiers: Orphanet 3156, MedGen C4225376, MONDO:0014579, OMIM 616307.

Allele frequency attached by ClinVar (database versions not stated): gnomAD 0.00001; TOPMed 0.00001.

Submission:

Labcorp Genetics (formerly Invitae), Labcorp
Classification: Uncertain significance for Senior-Loken syndrome 8; Asphyxiating thoracic dystrophy 5. Last evaluated: 2023-06-13. Review status: criteria provided, single submitter. Criteria: Invitae Variant Classification Sherloc (09022015). Collection method: clinical testing. Allele origin: germline.
Comment: This sequence change affects the initiator methionine of the WDR19 mRNA. The next in-frame methionine is located at codon 60. This variant is not present in population databases (gnomAD no frequency). This variant has not been reported in the literature in individuals affected with WDR19-related conditions. ClinVar contains an entry for this variant (Variation ID: 1486432). This variant disrupts a region of the WDR19 protein in which other variant(s) (p.Phe5Ser) have been observed in individuals with WDR19-related conditions (Invitae). This suggests that this is a clinically significant region of the protein, and that variants that disrupt it are likely to be disease-causing. In summary, the available evidence is currently insufficient to determine the role of this variant in disease. Therefore, it has been classified as a Variant of Uncertain Significance.